The following is an entry in ClinVar:

ClinVar aggregate classification (germline): Pathogenic. Review status: criteria provided, multiple submitters, no conflicts (2 of 4 stars). 2 submissions from 2 submitters: Pathogenic (2). Last evaluated 2023-10-06.

Conditions:
Lynch syndrome 4 (LYNCH4). Also called: Hereditary non-polyposis colorectal cancer, type 4; Colorectal cancer, hereditary nonpolyposis, type 4. Identifiers: Orphanet 144, MedGen C1838333, MONDO:0013699, OMIM 614337. Disease mechanism: loss of function.
Hereditary cancer-predisposing syndrome. Also called: Tumor predisposition; Hereditary neoplastic syndrome; Neoplastic Syndromes, Hereditary; Hereditary Cancer Syndrome. Identifiers: Orphanet 140162, MedGen C0027672, MeSH D009386, MONDO:0015356.

Submissions (2):

Department of Pathology and Laboratory Medicine, Sinai Health System
Classification: Pathogenic for Lynch syndrome 4. Last evaluated: 2023-10-06. Review status: criteria provided, single submitter. Criteria: ACMG Guidelines, 2015. Collection method: clinical testing. Allele origin: germline. Affected: yes.

Ambry Genetics
Classification: Pathogenic for Hereditary cancer-predisposing syndrome. Last evaluated: 2019-08-30. Review status: criteria provided, single submitter. Criteria: Ambry Variant Classification Scheme 2023. Collection method: clinical testing. Allele origin: germline.
Comment: The c.135_136delCA pathogenic mutation, located in coding exon 2 of the PMS2 gene, results from a deletion of two nucleotides at nucleotide positions 135 to 136, causing a translational frameshift with a predicted alternate stop codon (p.N45Kfs*8). This alteration is expected to result in loss of function by premature protein truncation or nonsense-mediated mRNA decay. As such, this alteration is interpreted as a disease-causing mutation.

NM_000535.7(PMS2):c.135_136del (p.Asn45fs)

Gene: PMS2 (PMS1 homolog 2, mismatch repair system component; minus strand). Cytogenetic location: 7p22.1.
Variant type: Deletion.
Coding change: c.135_136del on transcript NM_000535.7 (MANE Select); coding-DNA positions 135 to 136, 2 bases deleted (CA; older notation c.135_136delCA).
Protein change: p.Asn45fs; shifts the reading frame from asparagine 45.
Molecular consequence: frameshift variant. On other transcripts: 5 prime UTR variant (8), non-coding transcript variant (1), intron variant (3).
Genome position (GRCh38, 1-based): chr7:6,005,919-6,005,920, TG deleted on the plus strand (CA on the coding strand, the reverse complement: PMS2 is on the minus strand); deleting any 2 consecutive bases within chr7:6,005,919-6,005,921 gives the same sequence; the c. name uses the placement nearest the transcript's 3' end. VCF-style (leftmost placement, unchanged base first): chr7-6005918-CTG-C. GRCh37 (hg19) VCF-style: chr7-6045549-CTG-C.
Other names: c.-271_-270del (NM_001322003.2, NM_001322005.2, NM_001322009.2 and 1 more transcripts); c.135_136del, p.Asn45fs (NM_001322006.2, NM_001322014.2); c.-81_-80del (NM_001322007.2); c.-750_-749del (NM_001322011.2, NM_001322012.2); c.-350_-349del (NM_001322015.2); c.-52-1862_-52-1861del (NM_001322008.2); c.-242-1862_-242-1861del (NM_001322010.2, NM_001322004.2); short protein forms N45fs.
Identifiers: ClinVar variation 818928 (VCV000818928.5), dbSNP rs1583418616, ClinGen allele CA915944841.